The following is an entry in ClinVar:

NM_002473.6(MYH9):c.2591C>T (p.Ala864Val)

Gene: MYH9 (myosin heavy chain 9; minus strand). Cytogenetic location: 22q12.3.
Variant type: single nucleotide variant.
Coding change: c.2591C>T on transcript NM_002473.6 (MANE Select); coding-DNA position 2591, C replaced by T.
Protein change: p.Ala864Val; replaces alanine 864 with valine.
Molecular consequence: missense variant.
Genome position (GRCh38, 1-based): chr22:36,301,574, G>A on the plus strand (C>T on the coding strand, the complement: MYH9 is on the minus strand). VCF-style: chr22-36301574-G-A. GRCh37 (hg19) VCF-style: chr22-36697620-G-A.
Other names: c.2591C>T (NM_002473.5); short protein forms A864V.
Identifiers: ClinVar variation 1598191 (VCV001598191.37), dbSNP rs142467329, ClinGen allele CA10209931.

ClinVar aggregate classification (germline): Conflicting classifications of pathogenicity. Review status: criteria provided, conflicting classifications (1 of 4 stars). 6 submissions from 6 submitters: Uncertain significance (2); Likely benign (3). 1 of the submissions does not count toward it. Last evaluated 2025-12-29.

Conditions:
MYH9-related disorder. Identifiers: MedGen C1854520.
Inborn genetic diseases. Identifiers: MedGen C0950123, MeSH D030342.

Allele frequency attached by ClinVar (database versions not stated): ESP Exome Variant Server 0.00008; TOPMed 0.00008; gnomAD 0.00023 and 0.00024; gnomAD exomes 0.00023 and 0.00033; 1000 Genomes Project 30x 0.00031; ExAC 0.00037; 1000 Genomes Project 0.00040.
gnomAD v4.1: 374 of 1,613,814 alleles (0.023%); highest among the groups gnomAD compares: Non-Finnish European, 0.022%; no homozygotes.

Submissions (6):

Labcorp Genetics (formerly Invitae), Labcorp
Classification: Likely benign. Last evaluated: 2025-12-29. Review status: criteria provided, single submitter. Criteria: Invitae Variant Classification Sherloc (09022015). Collection method: clinical testing. Allele origin: germline.

Blueprint Genetics
Classification: Likely benign. Last evaluated: 2024-09-19. Review status: criteria provided, single submitter. Criteria: ACMG Guidelines, 2015. Collection method: clinical testing. Allele origin: germline.

GeneDx
Classification: Uncertain significance. Last evaluated: 2024-07-16. Review status: criteria provided, single submitter. Criteria: GeneDx Variant Classification Process June 2021. Collection method: clinical testing. Allele origin: germline. Affected: yes.
Comment: In silico analysis indicates that this missense variant does not alter protein structure/function; Has not been previously published as pathogenic or benign to our knowledge

Ambry Genetics
Classification: Uncertain significance for Inborn genetic diseases. Last evaluated: 2023-12-19. Review status: criteria provided, single submitter. Criteria: Ambry Variant Classification Scheme 2023. Collection method: clinical testing. Allele origin: germline.

CeGaT Center for Human Genetics Tuebingen
Classification: Likely benign. Last evaluated: 2023-10-01. Review status: criteria provided, single submitter. Criteria: CeGaT Center For Human Genetics Tuebingen Variant Classification Criteria Version 2. Collection method: clinical testing. Allele origin: germline. Affected: yes. Observed: 1 variant allele.
Comment: MYH9: BS1

PreventionGenetics, part of Exact Sciences
Classification: Likely benign for MYH9-related condition. Last evaluated: 2022-12-07. Review status: no assertion criteria provided. Collection method: clinical testing. Allele origin: germline. Not counted in ClinVar's aggregate classification.
Comment: This variant is classified as likely benign based on ACMG/AMP sequence variant interpretation guidelines (Richards et al. 2015 PMID: 25741868, with internal and published modifications).